The following is an entry in ClinVar:

NM_000424.4(KRT5):c.575A>C (p.Gln192Pro)

Genes: KRT5 (keratin 5; minus strand), LOC126861526 (BRD4-independent group 4 enhancer GRCh37_chr12:52912066-52913265; plus strand). Cytogenetic location: 12q13.13.
Variant type: single nucleotide variant.
Coding change: c.575A>C on transcript NM_000424.4 (MANE Select); coding-DNA position 575, A replaced by C.
Protein change: p.Gln192Pro; replaces glutamine 192 with proline.
Molecular consequence: missense variant.
Genome position (GRCh38, 1-based): chr12:52,519,141, T>G on the plus strand (A>C on the coding strand, the complement: KRT5 is on the minus strand). VCF-style: chr12-52519141-T-G. GRCh37 (hg19) VCF-style: chr12-52912925-T-G.
Other names: short protein forms Q192P.
Identifiers: ClinVar variation 4801300 (VCV004801300.1).
Genomic context (GRCh38, chr12:52,519,141, plus strand): 5'-CTCACAGTCTTGGTGCCCTGCTCCTGCAGCAGGGTCCACTTGGTGTCCAGAACCTTGTTC[T>G]GCTGCTCCAGGAACCGCACCTGGAGGGGAGCAGGGTTTGAAGATAGAGAAACTTGGATTT-3'
Protein context (NP_000415.2, residues 182-202): FIDKVRFLEQ[Gln192Pro]NKVLDTKWTL

ClinVar aggregate classification (germline): Uncertain significance (1 of 4 stars; one submission).

Submission:

Labcorp Genetics (formerly Invitae), Labcorp
Classification: Uncertain significance. Last evaluated: 2025-08-29. Review status: criteria provided, single submitter. Criteria: Invitae Variant Classification Sherloc (09022015). Collection method: clinical testing. Allele origin: germline.
Comment: This sequence change replaces glutamine, which is neutral and polar, with proline, which is neutral and non-polar, at codon 192 of the KRT5 protein (p.Gln192Pro). This variant is not present in population databases (gnomAD no frequency). This variant has not been reported in the literature in individuals affected with KRT5-related conditions. Invitae Evidence Modeling of protein sequence and biophysical properties (such as structural, functional, and spatial information, amino acid conservation, physicochemical variation, residue mobility, and thermodynamic stability) has been performed for this missense variant. However, the output from this modeling did not meet the statistical confidence thresholds required to predict the impact of this variant on KRT5 protein function. In summary, the available evidence is currently insufficient to determine the role of this variant in disease. Therefore, it has been classified as a Variant of Uncertain Significance.